The following is an entry in ClinVar:

NM_015346.4(ZFYVE26):c.6144C>A (p.Tyr2048Ter)

Gene: ZFYVE26 (zinc finger FYVE-type containing 26; minus strand). Cytogenetic location: 14q24.1.
Variant type: single nucleotide variant.
Coding change: c.6144C>A on transcript NM_015346.4 (MANE Select); coding-DNA position 6144, C replaced by A.
Protein change: p.Tyr2048Ter; replaces tyrosine 2048 with a stop codon.
Molecular consequence: nonsense.
Genome position (GRCh38, 1-based): chr14:67,762,687, G>T on the plus strand (C>A on the coding strand, the complement: ZFYVE26 is on the minus strand). VCF-style: chr14-67762687-G-T. GRCh37 (hg19) VCF-style: chr14-68229404-G-T.
Other names: short protein forms Y2048*.
Identifiers: ClinVar variation 1071110 (VCV001071110.10), dbSNP rs756042888, ClinGen allele CA7239307.

ClinVar aggregate classification (germline): Pathogenic/Likely pathogenic. Review status: criteria provided, multiple submitters, no conflicts (2 of 4 stars). 4 submissions from 4 submitters: Pathogenic (2); Likely pathogenic (2). Last evaluated 2024-06-28.

Conditions:
Hereditary spastic paraplegia 15 (SPG15). Also called: SPASTIC PARAPLEGIA 15, AUTOSOMAL RECESSIVE; KJELLIN SYNDROME; SPASTIC PARAPLEGIA AND RETINAL DEGENERATION. Identifiers: Orphanet 100996, MedGen C1849128, MONDO:0010044, OMIM 270700.
ZFYVE26-related disorder. Also called: ZFYVE26-related condition.
Spastic paraplegia. Identifiers: MedGen C0037772, HP:0001258.

Allele frequency attached by ClinVar (database versions not stated): gnomAD 0.00001; gnomAD exomes 0.00001 and below 0.00001; TOPMed 0.00001; ExAC 0.00002.
gnomAD v4.1: 3 of 1,613,800 alleles (0.00019%); highest among the groups gnomAD compares: Non-Finnish European, 0.00025%; no homozygotes.

Submissions (4):

Blueprint Genetics
Classification: Likely pathogenic for ZFYVE26-related disorders. Last evaluated: 2024-06-28. Review status: criteria provided, single submitter. Criteria: ACMG Guidelines, 2015. Collection method: clinical testing. Allele origin: germline. Affected: yes. Observed: 1 variant allele.

Myriad Genetics, Inc.
Classification: Pathogenic for Hereditary spastic paraplegia 15. Last evaluated: 2024-05-08. Review status: criteria provided, single submitter. Criteria: Myriad Autosomal Dominant, Autosomal Recessive and X-Linked Classification Criteria (2023). Collection method: clinical testing. Allele origin: unknown.
Comment: NM_015346.3(ZFYVE26):c.6144C>A(Y2048*) is expected to be pathogenic in the context of spastic paraplegia type 15. This variant is predicted to lead to an abnormal or absent protein product due to the creation of a premature termination codon in ZFYVE26, a gene where loss-of-function variants are known to be pathogenic. Please note: this variant was assessed in the context of healthy population screening.

Fulgent Genetics
Classification: Likely pathogenic for Hereditary spastic paraplegia 15. Last evaluated: 2022-01-19. Review status: criteria provided, single submitter. Criteria: ACMG Guidelines, 2015. Collection method: clinical testing. Allele origin: unknown.

Labcorp Genetics (formerly Invitae), Labcorp
Classification: Pathogenic for Spastic paraplegia. Last evaluated: 2021-10-03. Review status: criteria provided, single submitter. Criteria: Invitae Variant Classification Sherloc (09022015). Collection method: clinical testing. Allele origin: germline.
Comment: For these reasons, this variant has been classified as Pathogenic. ClinVar contains an entry for this variant (Variation ID: 1071110). This variant has not been reported in the literature in individuals affected with ZFYVE26-related conditions. This variant is present in population databases (rs756042888, ExAC 0.003%). This sequence change creates a premature translational stop signal (p.Tyr2048*) in the ZFYVE26 gene. It is expected to result in an absent or disrupted protein product. Loss-of-function variants in ZFYVE26 are known to be pathogenic (PMID: 18394578, 19805727).

Literature cited by the submitters: PubMed 18394578 (cited by Labcorp Genetics (formerly Invitae), Labcorp); PubMed 19805727 (cited by Labcorp Genetics (formerly Invitae), Labcorp).